The following is an entry in ClinVar:

ClinVar aggregate classification (germline): Uncertain significance. Review status: criteria provided, multiple submitters, no conflicts (2 of 4 stars). 5 submissions from 5 submitters: Uncertain significance (5). Last evaluated 2025-11-10.

Conditions:
Inborn genetic diseases. Identifiers: MedGen C0950123, MeSH D030342.
Hereditary spastic paraplegia 4. Also called: Spastic paraplegia 4, autosomal dominant; Spastic Paraplegia 4; Familial spastic paraplegia autosomal dominant 2. Identifiers: Orphanet 100985, MedGen C1866855, MONDO:0008438, OMIM 182601.

Allele frequency attached by ClinVar (database versions not stated): ExAC 0.00001; gnomAD exomes 0.00001 and 0.00004; gnomAD 0.00002; TOPMed 0.00002; ESP Exome Variant Server 0.00008.
gnomAD v4.1: 63 of 1,613,770 alleles (0.0039%); highest among the groups gnomAD compares: Non-Finnish European, 0.0052%; no homozygotes.

Submissions (5):

Labcorp Genetics (formerly Invitae), Labcorp
Classification: Uncertain significance for Hereditary spastic paraplegia 4. Last evaluated: 2025-11-10. Review status: criteria provided, single submitter. Criteria: Invitae Variant Classification Sherloc (09022015). Collection method: clinical testing. Allele origin: germline.
Comment: This sequence change replaces isoleucine, which is neutral and non-polar, with valine, which is neutral and non-polar, at codon 605 of the SPAST protein (p.Ile605Val). This variant is present in population databases (rs372900676, gnomAD 0.002%). This variant has not been reported in the literature in individuals affected with SPAST-related conditions. ClinVar contains an entry for this variant (Variation ID: 212291). Invitae Evidence Modeling of protein sequence and biophysical properties (such as structural, functional, and spatial information, amino acid conservation, physicochemical variation, residue mobility, and thermodynamic stability) has been performed for this missense variant. However, the output from this modeling did not meet the statistical confidence thresholds required to predict the impact of this variant on SPAST protein function. In summary, the available evidence is currently insufficient to determine the role of this variant in disease. Therefore, it has been classified as a Variant of Uncertain Significance.

Mayo Clinic Laboratories, Mayo Clinic
Classification: Uncertain significance. Last evaluated: 2024-08-22. Review status: criteria provided, single submitter. Criteria: ACMG Guidelines, 2015. Collection method: clinical testing. Allele origin: germline. Observed: 1 variant allele.

Ambry Genetics
Classification: Uncertain significance for Inborn genetic diseases. Last evaluated: 2023-09-20. Review status: criteria provided, single submitter. Criteria: Ambry Variant Classification Scheme 2023. Collection method: clinical testing. Allele origin: germline.

New York Genome Center
Classification: Uncertain significance for Hereditary spastic paraplegia 4. Last evaluated: 2020-05-19. Review status: criteria provided, single submitter. Criteria: NYGC Assertion Criteria 2020. Collection method: clinical testing. Allele origin: inherited. Observed: 1 heterozygote. Study: CSER-NYCKidSeq.

Genetic Services Laboratory, University of Chicago
Classification: Uncertain significance. Last evaluated: 2014-06-27. Review status: criteria provided, single submitter. Criteria: ACMG Guidelines, 2015. Collection method: clinical testing. Allele origin: germline.

NM_014946.4(SPAST):c.1813A>G (p.Ile605Val)

Gene: SPAST (spastin; plus strand). Cytogenetic location: 2p22.3.
Variant type: single nucleotide variant.
Coding change: c.1813A>G on transcript NM_014946.4 (MANE Select); coding-DNA position 1813, A replaced by G.
Protein change: p.Ile605Val; replaces isoleucine 605 with valine.
Molecular consequence: missense variant. On other transcripts: 3 prime UTR variant (1).
Genome position (GRCh38, 1-based): chr2:32,154,458, A>G. VCF-style: chr2-32154458-A-G. GRCh37 (hg19) VCF-style: chr2-32379527-A-G.
Other names: p.Ile605Val; c.1810A>G, p.Ile604Val (NM_001363823.2); c.1714A>G, p.Ile572Val (NM_001363875.2); c.*86A>G (NM_001377959.1); c.1717A>G, p.Ile573Val (NM_199436.2); short protein forms I605V, I604V, I572V, I573V.
Identifiers: ClinVar variation 212291 (VCV000212291.14), dbSNP rs372900676, ClinGen allele CA208917.